The following is an entry in ClinVar:

ClinVar aggregate classification (germline): Conflicting classifications of pathogenicity. Review status: criteria provided, conflicting classifications (1 of 4 stars). 4 submissions from 3 submitters: Uncertain significance (2); Benign (2). Last evaluated 2025-05-06.

Conditions:
Regional enteritis. Also called: Enteritis, Granulomatous. Identifiers: MedGen C0678202, MeSH D003424.
Blau syndrome (BLAUS). Also called: ARTHROCUTANEOUVEAL GRANULOMATOSIS; GRANULOMATOSIS, FAMILIAL JUVENILE SYSTEMIC; GRANULOMATOSIS, FAMILIAL, BLAU TYPE; GRANULOMATOUS INFLAMMATORY ARTHRITIS, DERMATITIS, AND UVEITIS, FAMILIAL; JABS SYNDROME. Identifiers: Orphanet 90340, MedGen C5201146, MONDO:0008523, OMIM 186580.
Inflammatory bowel disease 1 (IBD1). Also called: Inflammatory bowel disease 1, Crohn disease; INFLAMMATORY BOWEL DISEASE (CROHN DISEASE) 1. Identifiers: MedGen CN260071, MONDO:0009960, OMIM 266600.

Allele frequency attached by ClinVar (database versions not stated): gnomAD below 0.00001 and 0.00003; TOPMed 0.00001; gnomAD exomes 0.00006 and 0.00011; ExAC 0.00011.
gnomAD v4.1: 86 of 1,612,618 alleles (0.0053%); highest among the groups gnomAD compares: South Asian, 0.089%; 2 homozygotes.

Submissions (4):

Labcorp Genetics (formerly Invitae), Labcorp
Classification: Benign for Regional enteritis; Blau syndrome. Last evaluated: 2025-05-06. Review status: criteria provided, single submitter. Criteria: Invitae Variant Classification Sherloc (09022015). Collection method: clinical testing. Allele origin: germline.

ARUP Laboratories, Molecular Genetics and Genomics, ARUP Laboratories
Classification: Uncertain significance. Last evaluated: 2020-12-16. Review status: criteria provided, single submitter. Criteria: ARUP Molecular Germline Variant Investigation Process 2021. Collection method: clinical testing. Allele origin: germline.
Comment: The NOD2 c.1634C>T; p.Pro545Leu variant (rs777949388), to our knowledge, is not reported in the medical literature but is reported in ClinVar (Variation ID: 319448). This variant is found in the South Asian population with an overall allele frequency of 0.09% (27/30614 alleles, including one homozygote) in the Genome Aggregation Database. The proline at codon 545 is moderately conserved, and computational analyses are uncertain whether this variant is neutral or deleterious (REVEL: 0.238). However, given the lack of clinical and functional data, the significance of the p.Pro545Leu variant is uncertain at this time.

Illumina Laboratory Services, Illumina
Classification: Uncertain significance for Inflammatory bowel disease 1. Last evaluated: 2018-01-12. Review status: criteria provided, single submitter. Criteria: ICSL Variant Classification Criteria 13 December 2019. Collection method: clinical testing. Allele origin: germline.

Illumina Laboratory Services, Illumina
Classification: Benign for Blau syndrome. Last evaluated: 2018-01-12. Review status: criteria provided, single submitter. Criteria: ICSL Variant Classification Criteria 13 December 2019. Collection method: clinical testing. Allele origin: germline.
Comment: This variant was observed in the ICSL laboratory as part of a predisposition screen in an ostensibly healthy population. It had not been previously curated by ICSL or reported in the Human Gene Mutation Database (HGMD: prior to June 1st, 2018), and was therefore a candidate for classification through an automated scoring system. Utilizing variant allele frequency, disease prevalence and penetrance estimates, and inheritance mode, an automated score was calculated to assess if this variant is too frequent to cause the disease. Based on the score and internal cut-off values, a variant classified as benign is not then subjected to further curation. The score for this variant resulted in a classification of benign for this disease.

NM_001370466.1(NOD2):c.1553C>T (p.Pro518Leu)

Gene: NOD2 (nucleotide binding oligomerization domain containing 2; plus strand). Cytogenetic location: 16q12.1.
Variant type: single nucleotide variant.
Coding change: c.1553C>T on transcript NM_001370466.1 (MANE Select); coding-DNA position 1553, C replaced by T.
Protein change: p.Pro518Leu; replaces proline 518 with leucine.
Molecular consequence: missense variant. On other transcripts: non-coding transcript variant (1).
Genome position (GRCh38, 1-based): chr16:50,711,545, C>T. VCF-style: chr16-50711545-C-T. GRCh37 (hg19) VCF-style: chr16-50745456-C-T.
Other names: c.1634C>T (LRG_177t1); c.1553C>T, p.Pro518Leu (NM_001293557.2); c.1634C>T, p.Pro545Leu (NM_022162.3); short protein forms P545L, P518L.
Identifiers: ClinVar variation 319448 (VCV000319448.19), dbSNP rs777949388, ClinGen allele CA8051599.